The following is an entry in ClinVar:

NM_000350.3(ABCA4):c.2657del (p.Cys886fs)

Gene: ABCA4 (ATP binding cassette subfamily A member 4; minus strand). Cytogenetic location: 1p22.1.
Variant type: Deletion.
Coding change: c.2657del on transcript NM_000350.3 (MANE Select); coding-DNA position 2657, one base deleted (G; older notation c.2657delG).
Protein change: p.Cys886fs; shifts the reading frame from cysteine 886.
Molecular consequence: frameshift variant.
Genome position (GRCh38, 1-based): chr1:94,048,954, C deleted on the plus strand (G on the coding strand, the reverse complement: ABCA4 is on the minus strand). VCF-style (leftmost placement, unchanged base first): chr1-94048953-AC-A. GRCh37 (hg19) VCF-style: chr1-94514509-AC-A.
Other names: c.2435del, p.Cys812fs (NM_001425324.1); short protein forms C812fs, C886fs.
Identifiers: ClinVar variation 3384098 (VCV003384098.1).

ClinVar aggregate classification (germline): Likely pathogenic (1 of 4 stars; one submission).

Conditions:
Retinal dystrophy. Also called: Inherited retinal dystrophy. Identifiers: Orphanet 71862, MedGen C0854723, MeSH D058499, MONDO:0019118, HP:0000556.

Submission:

Dubai Health Genomic Medicine Center, Dubai Health
Classification: Likely pathogenic for Retinal dystrophy. Last evaluated: 2024-10-04. Review status: criteria provided, single submitter. Criteria: ACMG Guidelines, 2015. Collection method: research. Allele origin: germline. Affected: yes.
Comment: PVS1,PM2